The following is an entry in ClinVar:

ClinVar aggregate classification (germline): Uncertain significance (1 of 4 stars; one submission).

Submission:

GeneDx
Classification: Uncertain significance. Last evaluated: 2024-02-23. Review status: criteria provided, single submitter. Criteria: GeneDx Variant Classification Process June 2021. Collection method: clinical testing. Allele origin: germline. Affected: yes.
Comment: Has not been previously published as pathogenic or benign to our knowledge; Not observed at significant frequency in large population cohorts (gnomAD); In silico analysis supports that this missense variant does not alter protein structure/function

NM_021871.4(FGA):c.1904C>A (p.Ser635Tyr)

Gene: FGA (fibrinogen alpha chain; minus strand). Cytogenetic location: 4q31.3.
Variant type: single nucleotide variant.
Coding change: c.1904C>A on transcript NM_021871.4 (MANE Select); coding-DNA position 1904, C replaced by A.
Protein change: p.Ser635Tyr; replaces serine 635 with tyrosine.
Molecular consequence: missense variant. On other transcripts: intron variant (1).
Genome position (GRCh38, 1-based): chr4:154,585,525, G>T on the plus strand (C>A on the coding strand, the complement: FGA is on the minus strand). VCF-style: chr4-154585525-G-T. GRCh37 (hg19) VCF-style: chr4-155506677-G-T.
Other names: c.1891+13C>A (NM_000508.5); short protein forms S635Y.
Identifiers: ClinVar variation 3369493 (VCV003369493.1).